The following is an entry in ClinVar:

ClinVar aggregate classification (germline): Likely benign (1 of 4 stars; one submission).

Submission:

CeGaT Center for Human Genetics Tuebingen
Classification: Likely benign. Last evaluated: 2023-09-01. Review status: criteria provided, single submitter. Criteria: CeGaT Center For Human Genetics Tuebingen Variant Classification Criteria Version 2. Collection method: clinical testing. Allele origin: germline. Affected: yes. Observed: 1 variant allele.
Comment: ABLIM1: BS2

NC_000010.11:g.114571296CTG[3]

Gene: ABLIM1 (actin binding LIM protein 1; minus strand). Cytogenetic location: 10q25.3.
Variant type: Microsatellite.
Genome position: GRCh38 VCF-style: chr10-114571295-A-ACTG. GRCh37 (hg19) VCF-style: chr10-116331054-A-ACTG.
Identifiers: ClinVar variation 2640865 (VCV002640865.24), dbSNP rs573606552, ClinGen allele CA5702635.
Genomic context (GRCh38, chr10:114,571,295, plus strand): 5'-CCTGCCTGAGCTACCTCTGGACTACATAGGTATTCACGTCAGTGGGTCACCGGGGCACTT[A>ACTG]CTGCTGGAGAAGGTGGTTTCTTTCGGACTGGACGACATCGGCTGTGCACAGAGTTGACAA-3'